The following is an entry in ClinVar:

NM_005591.4(MRE11):c.1421T>C (p.Val474Ala)

Gene: MRE11 (MRE11 double strand break repair nuclease; minus strand). Cytogenetic location: 11q21.
Variant type: single nucleotide variant.
Coding change: c.1421T>C on transcript NM_005591.4 (MANE Select); coding-DNA position 1421, T replaced by C.
Protein change: p.Val474Ala; replaces valine 474 with alanine.
Molecular consequence: missense variant.
Genome position (GRCh38, 1-based): chr11:94,459,487, A>G on the plus strand (T>C on the coding strand, the complement: MRE11 is on the minus strand). VCF-style: chr11-94459487-A-G. GRCh37 (hg19) VCF-style: chr11-94192653-A-G.
Other names: c.1421T>C, p.Val474Ala (NM_001330347.2, NM_005590.4); short protein forms V474A.
Identifiers: ClinVar variation 479742 (VCV000479742.15), dbSNP rs1555009328, ClinGen allele CA382371850.
Genomic context (GRCh38, chr11:94,459,487, plus strand): 5'-TCGAGGGCATCAATATGACGTTCTTTAAGAAATCGCTGTGTTTTTTCCAACTGGTATTTC[A>G]CTAATTCCTCAATGGCATCTTTCTCCTCCTTGTCCACAAATTCTTGTACTGCTTCACCCA-3'
Protein context (NP_005582.1, residues 464-484): KEEKDAIEEL[Val474Ala]KYQLEKTQRF

ClinVar aggregate classification (germline): Uncertain significance. Review status: criteria provided, multiple submitters, no conflicts (2 of 4 stars). 2 submissions from 2 submitters: Uncertain significance (2). Last evaluated 2023-01-08.

Conditions:
Hereditary cancer-predisposing syndrome. Also called: Hereditary Cancer Syndrome; Neoplastic Syndromes, Hereditary; Tumor predisposition; Hereditary neoplastic syndrome. Identifiers: Orphanet 140162, MedGen C0027672, MeSH D009386, MONDO:0015356.
Ataxia-telangiectasia-like disorder (ATLD). Identifiers: MedGen C1858391, MONDO:0011457.

Submissions (2):

Ambry Genetics
Classification: Uncertain significance for Hereditary cancer-predisposing syndrome. Last evaluated: 2023-01-08. Review status: criteria provided, single submitter. Criteria: Ambry Variant Classification Scheme 2023. Collection method: clinical testing. Allele origin: germline.
Comment: The p.V474A variant (also known as c.1421T>C), located in coding exon 12 of the MRE11A gene, results from a T to C substitution at nucleotide position 1421. The valine at codon 474 is replaced by alanine, an amino acid with similar properties. This variant was not reported in population based cohorts in the following databases: Database of Single Nucleotide Polymorphisms (dbSNP), NHLBI Exome Sequencing Project (ESP), and 1000 Genomes Project. In the ESP, this variant was not observed in 6499 samples (12998 alleles) with coverage at this position. To date, this alteration has been detected with an allele frequency of approximately 0.001% (greater than 120000 alleles tested) in our clinical cohort. This amino acid position is well conserved in available vertebrate species. In addition, the in silico prediction for this alteration is inconclusive. Since supporting evidence is limited at this time, the clinical significance of this alteration remains unclear.

Labcorp Genetics (formerly Invitae), Labcorp
Classification: Uncertain significance for Ataxia-telangiectasia-like disorder. Last evaluated: 2022-07-12. Review status: criteria provided, single submitter. Criteria: Invitae Variant Classification Sherloc (09022015). Collection method: clinical testing. Allele origin: germline.
Comment: ClinVar contains an entry for this variant (Variation ID: 479742). This variant has not been reported in the literature in individuals affected with MRE11-related conditions. This variant is not present in population databases (gnomAD no frequency). This sequence change replaces valine, which is neutral and non-polar, with alanine, which is neutral and non-polar, at codon 474 of the MRE11 protein (p.Val474Ala). Algorithms developed to predict the effect of missense changes on protein structure and function are either unavailable or do not agree on the potential impact of this missense change (SIFT: "Deleterious"; PolyPhen-2: "Benign"; Align-GVGD: "Class C25"). In summary, the available evidence is currently insufficient to determine the role of this variant in disease. Therefore, it has been classified as a Variant of Uncertain Significance.